The following is an entry in ClinVar:

NM_022726.4(ELOVL4):c.651C>T (p.Tyr217=)

Gene: ELOVL4 (ELOVL fatty acid elongase 4; minus strand). Cytogenetic location: 6q14.1.
Variant type: single nucleotide variant.
Coding change: c.651C>T on transcript NM_022726.4 (MANE Select); coding-DNA position 651, C replaced by T.
Protein change: p.Tyr217=; no amino-acid change (tyrosine 217 retained).
Molecular consequence: synonymous variant.
Genome position (GRCh38, 1-based): chr6:79,919,438, G>A on the plus strand (C>T on the coding strand, the complement: ELOVL4 is on the minus strand). VCF-style: chr6-79919438-G-A. GRCh37 (hg19) VCF-style: chr6-80629155-G-A.
Other names: p.Tyr217=.
Identifiers: ClinVar variation 761509 (VCV000761509.54), dbSNP rs199860277, ClinGen allele CA3901490.

ClinVar aggregate classification (germline): Likely benign. Review status: criteria provided, multiple submitters, no conflicts (2 of 4 stars). 5 submissions from 5 submitters: Likely benign (4). 1 of the submissions does not count toward it. Last evaluated 2026-07-01.

Conditions:
ELOVL4-related disorder. Also called: ELOVL4-related disorders; ELOVL4-related condition.

Allele frequency attached by ClinVar (database versions not stated): ExAC 0.00020; gnomAD 0.00022 and 0.00024; gnomAD exomes 0.00024 and 0.00039; TOPMed 0.00026; ESP Exome Variant Server 0.00062.

Submissions (5):

CeGaT Center for Human Genetics Tuebingen
Classification: Likely benign. Last evaluated: 2026-07-01. Review status: criteria provided, single submitter. Criteria: CeGaT Center For Human Genetics Tuebingen Variant Classification Criteria Version 2. Collection method: clinical testing. Allele origin: germline. Affected: yes. Observed: 2 variant alleles.
Comment: ELOVL4: BP4

Mayo Clinic Laboratories, Mayo Clinic
Classification: Likely benign. Last evaluated: 2025-11-24. Review status: criteria provided, single submitter. Criteria: ACMG Guidelines, 2015. Collection method: clinical testing. Allele origin: germline. Observed: 2 variant alleles.
Comment: BP4, BP7

Labcorp Genetics (formerly Invitae), Labcorp
Classification: Likely benign. Last evaluated: 2025-11-23. Review status: criteria provided, single submitter. Criteria: Invitae Variant Classification Sherloc (09022015). Collection method: clinical testing. Allele origin: germline.

Blueprint Genetics
Classification: Likely benign. Last evaluated: 2024-07-31. Review status: criteria provided, single submitter. Criteria: ACMG Guidelines, 2015. Collection method: clinical testing. Allele origin: germline.

PreventionGenetics, part of Exact Sciences
Classification: Likely benign for ELOVL4-related condition. Last evaluated: 2019-09-19. Review status: no assertion criteria provided. Collection method: clinical testing. Allele origin: germline. Not counted in ClinVar's aggregate classification.
Comment: This variant is classified as likely benign based on ACMG/AMP sequence variant interpretation guidelines (Richards et al. 2015 PMID: 25741868, with internal and published modifications).